The following is an entry in ClinVar:

ClinVar aggregate classification (germline): Uncertain significance (1 of 4 stars; one submission).

Conditions:
Ellis-van Creveld syndrome (EVC). Also called: EVC-Related Ellis-van Creveld Syndrome; EVC2-Related Ellis-van Creveld Syndrome; Chondroectodermal dysplasia; MESOECTODERMAL DYSPLASIA. Identifiers: Orphanet 289, MedGen C0013903, MONDO:0009162, OMIM 225500.
Curry-Hall syndrome (WAD). Also called: WEYERS ACRODENTAL DYSOSTOSIS. Identifiers: Orphanet 952, MedGen C0457013, MONDO:0008673, OMIM 193530.

Allele frequency attached by ClinVar (database versions not stated): TOPMed below 0.00001.

Submission:

Labcorp Genetics (formerly Invitae), Labcorp
Classification: Uncertain significance for Curry-Hall syndrome; Ellis-van Creveld syndrome. Last evaluated: 2021-10-16. Review status: criteria provided, single submitter. Criteria: Invitae Variant Classification Sherloc (09022015). Collection method: clinical testing. Allele origin: germline.
Comment: This sequence change replaces histidine with glutamine at codon 594 of the EVC2 protein (p.His594Gln). The histidine residue is moderately conserved and there is a small physicochemical difference between histidine and glutamine. This variant is not present in population databases (ExAC no frequency). This variant has not been reported in the literature in individuals affected with EVC2-related conditions. Algorithms developed to predict the effect of missense changes on protein structure and function are either unavailable or do not agree on the potential impact of this missense change (SIFT: "Tolerated"; PolyPhen-2: "Probably Damaging"; Align-GVGD: "Class C0"). In summary, the available evidence is currently insufficient to determine the role of this variant in disease. Therefore, it has been classified as a Variant of Uncertain Significance.

NM_147127.5(EVC2):c.1782C>G (p.His594Gln)

Gene: EVC2 (EvC ciliary complex subunit 2; minus strand). Cytogenetic location: 4p16.2.
Variant type: single nucleotide variant.
Coding change: c.1782C>G on transcript NM_147127.5 (MANE Select); coding-DNA position 1782, C replaced by G.
Protein change: p.His594Gln; replaces histidine 594 with glutamine.
Molecular consequence: missense variant.
Genome position (GRCh38, 1-based): chr4:5,628,663, G>C on the plus strand (C>G on the coding strand, the complement: EVC2 is on the minus strand). VCF-style: chr4-5628663-G-C. GRCh37 (hg19) VCF-style: chr4-5630390-G-C.
Other names: c.1542C>G, p.His514Gln (NM_001166136.2); short protein forms H594Q, H514Q.
Identifiers: ClinVar variation 1945911 (VCV001945911.2), dbSNP rs1716305083, ClinGen allele CA356147736.